The following is an entry in ClinVar:

NM_014845.6(FIG4):c.110G>A (p.Arg37His)

Gene: FIG4 (FIG4 phosphoinositide 5-phosphatase; plus strand). Cytogenetic location: 6q21.
Variant type: single nucleotide variant.
Coding change: c.110G>A on transcript NM_014845.6 (MANE Select); coding-DNA position 110, G replaced by A.
Protein change: p.Arg37His; replaces arginine 37 with histidine.
Molecular consequence: missense variant.
Genome position (GRCh38, 1-based): chr6:109,715,121, G>A. VCF-style: chr6-109715121-G-A. GRCh37 (hg19) VCF-style: chr6-110036324-G-A.
Other names: short protein forms R37H.
Identifiers: ClinVar variation 573057 (VCV000573057.8), dbSNP rs192324110, ClinGen allele CA3955675.

ClinVar aggregate classification (germline): Uncertain significance (1 of 4 stars; one submission).

Conditions:
Charcot-Marie-Tooth disease type 4. Also called: Charcot-Marie-Tooth disease, type IV; Charcot-Marie-Tooth, Type 4. Identifiers: Orphanet 64749, MedGen C4082197, MONDO:0018995.

Allele frequency attached by ClinVar (database versions not stated): gnomAD 0.00001; gnomAD exomes 0.00001; TOPMed 0.00001; ExAC 0.00002; ESP Exome Variant Server 0.00008; 1000 Genomes Project 30x 0.00016; 1000 Genomes Project 0.00020.

Submission:

Labcorp Genetics (formerly Invitae), Labcorp
Classification: Uncertain significance for Charcot-Marie-Tooth disease type 4. Last evaluated: 2022-01-06. Review status: criteria provided, single submitter. Criteria: Invitae Variant Classification Sherloc (09022015). Collection method: clinical testing. Allele origin: germline.
Comment: In summary, the available evidence is currently insufficient to determine the role of this variant in disease. Therefore, it has been classified as a Variant of Uncertain Significance. This variant is present in population databases (rs192324110, gnomAD 0.007%). This variant has not been reported in the literature in individuals affected with FIG4-related conditions. ClinVar contains an entry for this variant (Variation ID: 573057). Algorithms developed to predict the effect of missense changes on protein structure and function are either unavailable or do not agree on the potential impact of this missense change (SIFT: "Deleterious"; PolyPhen-2: "Probably Damaging"; Align-GVGD: "Class C0"). This sequence change replaces arginine, which is basic and polar, with histidine, which is basic and polar, at codon 37 of the FIG4 protein (p.Arg37His).